The following is an entry in ClinVar:

ClinVar aggregate classification (germline): Uncertain significance. Review status: criteria provided, multiple submitters, no conflicts (2 of 4 stars). 2 submissions from 2 submitters: Uncertain significance (2). Last evaluated 2025-06-30.

Conditions:
Autoimmune lymphoproliferative syndrome type 1. Also called: AUTOIMMUNE LYMPHOPROLIFERATIVE SYNDROME, TYPE I, AUTOSOMAL DOMINANT. Identifiers: Orphanet 3261, MedGen C2717884, MONDO:0011158, OMIM 601859.

gnomAD v4.1: 36 of 1,612,754 alleles (0.0022%); highest among the groups gnomAD compares: Non-Finnish European, 0.00017%; no homozygotes.

Submissions (2):

Ambry Genetics
Classification: Uncertain significance. Last evaluated: 2025-06-30. Review status: criteria provided, single submitter. Criteria: Ambry Variant Classification Scheme 2023. Collection method: clinical testing. Allele origin: germline.

Labcorp Genetics (formerly Invitae), Labcorp
Classification: Uncertain significance for Autoimmune lymphoproliferative syndrome. Last evaluated: 2025-01-20. Review status: criteria provided, single submitter. Criteria: Invitae Variant Classification Sherloc (09022015). Collection method: clinical testing. Allele origin: germline.
Comment: This sequence change replaces glutamic acid, which is acidic and polar, with valine, which is neutral and non-polar, at codon 139 of the FASLG protein (p.Glu139Val). This variant is present in population databases (rs368143171, gnomAD 0.1%). This variant has not been reported in the literature in individuals affected with FASLG-related conditions. Invitae Evidence Modeling of protein sequence and biophysical properties (such as structural, functional, and spatial information, amino acid conservation, physicochemical variation, residue mobility, and thermodynamic stability) indicates that this missense variant is not expected to disrupt FASLG protein function with a negative predictive value of 80%. In summary, the available evidence is currently insufficient to determine the role of this variant in disease. Therefore, it has been classified as a Variant of Uncertain Significance.

NM_000639.3(FASLG):c.416A>T (p.Glu139Val)

Gene: FASLG (Fas ligand; plus strand). Cytogenetic location: 1q24.3.
Variant type: single nucleotide variant.
Coding change: c.416A>T on transcript NM_000639.3 (MANE Select); coding-DNA position 416, A replaced by T.
Protein change: p.Glu139Val; replaces glutamic acid 139 with valine.
Molecular consequence: missense variant. On other transcripts: nonsense (1).
Genome position (GRCh38, 1-based): chr1:172,664,355, A>T. VCF-style: chr1-172664355-A-T. GRCh37 (hg19) VCF-style: chr1-172633495-A-T.
Other names: c.370A>T, p.Lys124Ter (NM_001302746.2); short protein forms E139V, K124*.
Identifiers: ClinVar variation 3719004 (VCV003719004.2).